The following is an entry in ClinVar:

NM_001384474.1(LOXHD1):c.3053del (p.Gly1018fs)

Gene: LOXHD1 (lipoxygenase homology PLAT domains 1; minus strand). Cytogenetic location: 18q21.1.
Variant type: Deletion.
Coding change: c.3053del on transcript NM_001384474.1 (MANE Select); coding-DNA position 3053, one base deleted (G; older notation c.3053delG).
Protein change: p.Gly1018fs; shifts the reading frame from glycine 1018.
Molecular consequence: frameshift variant.
Genome position (GRCh38, 1-based): chr18:46,560,091, C deleted on the plus strand (G on the coding strand, the reverse complement: LOXHD1 is on the minus strand); the first of 3 consecutive C bases (chr18:46,560,091-46,560,093); deleting any one gives the same sequence. VCF-style (leftmost placement, unchanged base first): chr18-46560090-AC-A. GRCh37 (hg19) VCF-style: chr18-44140053-AC-A.
Other names: c.3053del, p.Gly1018fs (NM_144612.7); short protein forms G1018fs.
Identifiers: ClinVar variation 2708456 (VCV002708456.3), dbSNP rs2511830562, ClinGen allele CA2697555484.

ClinVar aggregate classification (germline): Pathogenic (1 of 4 stars; one submission).

Submission:

Labcorp Genetics (formerly Invitae), Labcorp
Classification: Pathogenic. Last evaluated: 2025-12-22. Review status: criteria provided, single submitter. Criteria: Invitae Variant Classification Sherloc (09022015). Collection method: clinical testing. Allele origin: germline.
Comment: This sequence change creates a premature translational stop signal (p.Gly1018Valfs*27) in the LOXHD1 gene. It is expected to result in an absent or disrupted protein product. Loss-of-function variants in LOXHD1 are known to be pathogenic (PMID: 19732867, 21465660, 25792669). This variant is not present in population databases (gnomAD no frequency). This variant has not been reported in the literature in individuals affected with LOXHD1-related conditions. ClinVar contains an entry for this variant (Variation ID: 2708456). For these reasons, this variant has been classified as Pathogenic.

Literature cited by the submitters: PubMed 19732867; PubMed 21465660; PubMed 25792669.